The following is an entry in ClinVar:

NM_007294.4(BRCA1):c.134+18A>G

Gene: BRCA1 (BRCA1 DNA repair associated; minus strand). Cytogenetic location: 17q21.31.
Variant type: single nucleotide variant.
Coding change: c.134+18A>G on transcript NM_007294.4 (MANE Select); 18 bases into the intron after coding-DNA position 134, A replaced by G.
Molecular consequence: intron variant.
Genome position (GRCh38, 1-based): chr17:43,115,708, T>C on the plus strand (A>G on the coding strand, the complement: BRCA1 is on the minus strand). VCF-style: chr17-43115708-T-C. GRCh37 (hg19) VCF-style: chr17-41267725-T-C.
Other names: c.-124+18A>G (NM_001407930.1, NM_001407843.1, NM_001408456.1 and 13 more transcripts); c.-128+18A>G (NM_001408465.1, NM_001407695.1); c.-55+18A>G (NM_001408482.1, NM_001407954.1, NM_001407896.1 and 52 more transcripts); c.-8+18A>G (NM_001407920.1, NM_001408504.1, NM_001408463.1 and 47 more transcripts); c.-8+5850A>G (NM_001407751.1, NM_001407726.1); c.134+18A>G (NM_001408422.1, NM_001407874.1, NM_001408416.1 and 191 more transcripts); c.-171+18A>G (NM_001407900.1, NM_001408492.1, NM_001407889.1); c.-8+22A>G (NM_001407841.1); and 10 more.
Identifiers: ClinVar variation 629196 (VCV000629196.14), dbSNP rs1555599182, ClinGen allele CA913188855.

ClinVar aggregate classification (germline): Likely benign. Review status: criteria provided, multiple submitters, no conflicts (2 of 4 stars). 2 submissions from 2 submitters: Likely benign (2). Last evaluated 2025-09-21.

Conditions:
Hereditary cancer-predisposing syndrome. Also called: Hereditary neoplastic syndrome; Tumor predisposition; Hereditary Cancer Syndrome; Neoplastic Syndromes, Hereditary. Identifiers: Orphanet 140162, MedGen C0027672, MeSH D009386, MONDO:0015356.
Hereditary breast ovarian cancer syndrome. Also called: Hereditary breast and ovarian cancer syndrome (HBOC); Hereditary breast and ovarian cancer; BRCA1- and BRCA2-Associated Hereditary Breast and Ovarian Cancer; Breast and ovarian cancer; Hereditary breast and ovarian cancer syndrome; Hereditary breast and/or ovarian cancer syndrome. Identifiers: Orphanet 145, MedGen C0677776, MeSH D061325, MONDO:0003582. Disease mechanism: loss of function.

gnomAD v4.1: 1 of 1,611,080 alleles (0.000062%); no homozygotes.

Submissions (3):

Labcorp Genetics (formerly Invitae), Labcorp
Classification: Likely benign for Hereditary breast ovarian cancer syndrome. Last evaluated: 2025-09-21. Review status: criteria provided, single submitter. Criteria: Invitae Variant Classification Sherloc (09022015). Collection method: clinical testing. Allele origin: germline.

Color Diagnostics, LLC DBA Color Health
Classification: Likely benign for Hereditary cancer-predisposing syndrome. Last evaluated: 2018-09-06. Review status: criteria provided, single submitter. Criteria: ACMG Guidelines, 2015. Collection method: clinical testing. Allele origin: germline.

Brotman Baty Institute, University of Washington
No classification provided (evidence only). Condition: Breast-ovarian cancer, familial 1. Review status: no classification provided. Collection method: in vitro. Allele origin: not applicable. Functional consequence: functionally_normal. Not counted in ClinVar's aggregate classification.
ClinVar note: "not provided" was previously submitted as the classification for the variant. However, the classification appeared to be based only on an observation of functional data so it was converted to no classification on 2025-07-30.